The following is an entry in ClinVar:

ClinVar aggregate classification (germline): Pathogenic (1 of 4 stars; one submission).

Submission:

Quest Diagnostics Nichols Institute San Juan Capistrano
Classification: Pathogenic. Last evaluated: 2023-07-26. Review status: criteria provided, single submitter. Criteria: ACMG/ClinGen CNV Guidelines, 2019. Collection method: clinical testing. Allele origin: unknown.
Comment: This copy number loss involves multiple protein-coding genes and overlaps the 1q21.1 deletion syndromic region (ISCA-37421; OMIM 612474). De novo and inherited deletions of this locus have been associated with a broad range of features (Haldeman-Englert 2015), with incomplete penetrance and variable expressivity. Therefore, this copy number variant is classified as pathogenic. Reference: Haldeman-Englert et al., GeneReviews [2015 Nov 12]. PMID: 21348049

GRCh37/hg19 1q21.1-21.2(chr1:146117290-147897962)x1

Genes: ACP6 (acid phosphatase 6, lysophosphatidic; minus strand), BCL9 (BCL9 transcription coactivator; plus strand), CHD1L (chromodomain helicase DNA binding protein 1 like; plus strand), FMO5 (flavin containing dimethylaniline monoxygenase 5; minus strand), GJA5 (gap junction protein alpha 5; minus strand) and 4 more. Cytogenetic location: 1q21.1-21.2.
Variant type: copy number loss.
Change: copy number 1 (one copy instead of two) of chr1:146,117,290-147,897,962 (1.78 Mb, GRCh37 coordinates, 1-based), cytogenetic band 1q21.1-21.2.
Identifiers: ClinVar variation 565173 (VCV000565173.2).